The following is an entry in ClinVar:

ClinVar aggregate classification (germline): Conflicting classifications of pathogenicity. Review status: criteria provided, conflicting classifications (1 of 4 stars). 2 submissions from 2 submitters: Uncertain significance (1); Likely benign (1). Last evaluated 2026-01-28.

Conditions:
Cardiovascular phenotype. Identifiers: MedGen CN230736.

Allele frequency attached by ClinVar (database versions not stated): gnomAD exomes below 0.00001.
gnomAD v4.1: 1 of 1,613,706 alleles (0.000062%); highest among the groups gnomAD compares: Non-Finnish European, 0.000085%; no homozygotes.

Submissions (2):

Labcorp Genetics (formerly Invitae), Labcorp
Classification: Uncertain significance. Last evaluated: 2026-01-28. Review status: criteria provided, single submitter. Criteria: Invitae Variant Classification Sherloc (09022015). Collection method: clinical testing. Allele origin: germline.
Comment: This sequence change affects codon 19 of the MFAP5 mRNA. It is a 'silent' change, meaning that it does not change the encoded amino acid sequence of the MFAP5 protein. It affects a nucleotide within the consensus splice site. This variant is not present in population databases (gnomAD no frequency). This variant has not been reported in the literature in individuals affected with MFAP5-related conditions. ClinVar contains an entry for this variant (Variation ID: 1375380). Algorithms developed to predict the effect of sequence changes on RNA splicing suggest that this variant is not likely to affect RNA splicing. In summary, the available evidence is currently insufficient to determine the role of this variant in disease. Therefore, it has been classified as a Variant of Uncertain Significance.

Ambry Genetics
Classification: Likely benign for Cardiovascular phenotype. Last evaluated: 2021-10-12. Review status: criteria provided, single submitter. Criteria: Ambry Variant Classification Scheme 2023. Collection method: clinical testing. Allele origin: germline.

NM_003480.4(MFAP5):c.57T>C (p.Ser19=)

Gene: MFAP5 (microfibril associated protein 5; minus strand). Cytogenetic location: 12p13.31.
Variant type: single nucleotide variant.
Coding change: c.57T>C on transcript NM_003480.4 (MANE Select); coding-DNA position 57, T replaced by C.
Protein change: p.Ser19=; no amino-acid change (serine 19 retained).
Molecular consequence: synonymous variant. On other transcripts: non-coding transcript variant (2).
Genome position (GRCh38, 1-based): chr12:8,662,048, A>G on the plus strand (T>C on the coding strand, the complement: MFAP5 is on the minus strand). VCF-style: chr12-8662048-A-G. GRCh37 (hg19) VCF-style: chr12-8814644-A-G.
Other names: c.57T>C, p.Ser19= (NM_001297709.2, NM_001297710.2, NM_001297711.2 and 1 more transcripts).
Identifiers: ClinVar variation 1375380 (VCV001375380.10), dbSNP rs2136485750, ClinGen allele CA478468176.